The following is an entry in ClinVar:

ClinVar aggregate classification (germline): Uncertain significance (1 of 4 stars; one submission).

gnomAD v4.1: 31 of 1,592,484 alleles (0.0019%); highest among the groups gnomAD compares: East Asian, 0.009%; no homozygotes.

Submission:

Ambry Genetics
Classification: Uncertain significance. Last evaluated: 2024-12-01. Review status: criteria provided, single submitter. Criteria: Ambry Variant Classification Scheme 2023. Collection method: clinical testing. Allele origin: germline.
Comment: The p.R1001H variant (also known as c.3002G>A), located in coding exon 11 of the WNK2 gene, results from a G to A substitution at nucleotide position 3002. The arginine at codon 1001 is replaced by histidine, an amino acid with highly similar properties. This amino acid position is conserved. In addition, this alteration is predicted to be tolerated by in silico analysis. Based on the available evidence, the clinical significance of this variant remains unclear.

NM_006648.4(WNK2):c.3002G>A (p.Arg1001His)

Gene: WNK2 (WNK lysine deficient protein kinase 2; plus strand). Cytogenetic location: 9q22.31.
Variant type: single nucleotide variant.
Coding change: c.3002G>A on transcript NM_006648.4 (MANE Select); coding-DNA position 3002, G replaced by A.
Protein change: p.Arg1001His; replaces arginine 1001 with histidine.
Molecular consequence: missense variant.
Genome position (GRCh38, 1-based): chr9:93,259,550, G>A. VCF-style: chr9-93259550-G-A. GRCh37 (hg19) VCF-style: chr9-96021832-G-A.
Other names: c.3002G>A, p.Arg1001His (NM_001282394.3); short protein forms R1001H.
Identifiers: ClinVar variation 3470545 (VCV003470545.1).